The following is an entry in ClinVar:

ClinVar aggregate classification (germline): Uncertain significance (1 of 4 stars; one submission).

gnomAD v4.1: 1 of 1,613,804 alleles (0.000062%); highest among the groups gnomAD compares: Non-Finnish European, 0.000085%; no homozygotes.

Submission:

Ambry Genetics
Classification: Uncertain significance. Last evaluated: 2026-07-28. Review status: criteria provided, single submitter. Criteria: Ambry Variant Classification Scheme 2023. Collection method: clinical testing. Allele origin: germline.
Comment: The p.E294G variant (also known as c.881A>G), located in coding exon 6 of the CTNNA3 gene, results from an A to G substitution at nucleotide position 881. The glutamic acid at codon 294 is replaced by glycine, an amino acid with similar properties. This amino acid position is conserved. In addition, this alteration is predicted to be tolerated by in silico analysis. Based on the available evidence, the clinical significance of this variant remains unclear.

NM_013266.4(CTNNA3):c.881A>G (p.Glu294Gly)

Gene: CTNNA3 (catenin alpha 3; minus strand). Cytogenetic location: 10q21.3.
Variant type: single nucleotide variant.
Coding change: c.881A>G on transcript NM_013266.4 (MANE Select); coding-DNA position 881, A replaced by G.
Protein change: p.Glu294Gly; replaces glutamic acid 294 with glycine.
Molecular consequence: missense variant.
Genome position (GRCh38, 1-based): chr10:67,180,483, T>C on the plus strand (A>G on the coding strand, the complement: CTNNA3 is on the minus strand). VCF-style: chr10-67180483-T-C. GRCh37 (hg19) VCF-style: chr10-68940241-T-C.
Other names: c.881A>G, p.Glu294Gly (NM_001127384.3); c.917A>G, p.Glu306Gly (NM_001291133.2); short protein forms E294G, E306G.
Identifiers: ClinVar variation 5035027 (VCV005035027.1).